The following is an entry in ClinVar:

ClinVar aggregate classification (germline): Uncertain significance (1 of 4 stars; one submission).

Conditions:
Glycogen storage disease IXa1. Also called: LIVER GLYCOGENOSIS, X-LINKED, TYPE I; GLYCOGEN STORAGE DISEASE VIII; GSD VIII; Glycogen storage disease 8. Identifiers: Orphanet 264580, MedGen C3694531, MONDO:0010598, OMIM 306000.

Submission:

Juno Genomics, Hangzhou Juno Genomics, Inc
Classification: Uncertain significance for Glycogen storage disease IXa1. Review status: criteria provided, single submitter. Criteria: ACMG Guidelines, 2015. Collection method: clinical testing. Allele origin: germline.
Comment: Absent from controls (or at extremely low frequency if recessive) in Genome Aggregation Database.;Multiple lines of computational evidence support a deleterious effect on the gene or gene product.

NM_000292.3(PHKA2):c.209A>G (p.Asp70Gly)

Gene: PHKA2 (phosphorylase kinase regulatory subunit alpha 2; minus strand). Cytogenetic location: Xp22.13.
Variant type: single nucleotide variant.
Coding change: c.209A>G on transcript NM_000292.3 (MANE Select); coding-DNA position 209, A replaced by G.
Protein change: p.Asp70Gly; replaces aspartic acid 70 with glycine.
Molecular consequence: missense variant.
Genome position (GRCh38, 1-based): chrX:18,954,282, T>C on the plus strand (A>G on the coding strand, the complement: PHKA2 is on the minus strand). VCF-style: chrX-18954282-T-C. GRCh37 (hg19) VCF-style: chrX-18972400-T-C.
Other names: c.209A>G, p.Asp70Gly (NM_001440800.1, NM_001440801.1, NM_001440802.1 and 3 more transcripts); short protein forms D70G.
Identifiers: ClinVar variation 5019405 (VCV005019405.2).
Genomic context (GRCh38, chrX:18,954,282, plus strand): 5'-GCAGCCGAGATACAGCTGTCAGTCACTATTACCTGCTCCAGCTCGTAGGCCTTGGCCTTG[T>C]CCTCATCGCGGTCTGCATTCTTACGGTAGGCCATGCCCAGGCCCCACACGGCCAGGATAC-3'
Protein context (NP_000283.1, residues 60-80): AYRKNADRDE[Asp70Gly]KAKAYELEQN